The following is an entry in ClinVar:

NM_000179.3(MSH6):c.4015_4021dup (p.Glu1341delinsGlyTer)

Gene: MSH6 (mutS homolog 6; plus strand). Cytogenetic location: 2p16.3.
Variant type: Duplication.
Coding change: c.4015_4021dup on transcript NM_000179.3 (MANE Select); coding-DNA positions 4015 to 4021, 7 bases duplicated (GCTAGTG; older notation c.4015_4021dupGCTAGTG).
Protein change: p.Glu1341delinsGlyTer.
Molecular consequence: nonsense.
Genome position (GRCh38, 1-based): chr2:47,806,792-47,806,798, GCTAGTG duplicated; duplicating any 7 consecutive bases within chr2:47,806,790-47,806,798 gives the same sequence; the c. name uses the placement nearest the transcript's 3' end. VCF-style (leftmost placement, unchanged base first): chr2-47806789-C-CTGGCTAG. GRCh37 (hg19) VCF-style: chr2-48033928-C-CTGGCTAG.
Other names: c.3625_3631dup, p.Glu1211delinsGlyTer (NM_001281492.2); c.3109_3115dup, p.Glu1039delinsGlyTer (NM_001281493.2, NM_001281494.2).
Identifiers: ClinVar variation 1026806 (VCV001026806.7), dbSNP rs1670210490, ClinGen allele CA2496054540.

ClinVar aggregate classification (germline): Uncertain significance (1 of 4 stars; one submission).

Conditions:
Hereditary nonpolyposis colorectal neoplasms. Identifiers: MedGen C0009405, MeSH D003123.

Submission:

Labcorp Genetics (formerly Invitae), Labcorp
Classification: Uncertain significance for Hereditary nonpolyposis colorectal neoplasms. Last evaluated: 2020-06-30. Review status: criteria provided, single submitter. Criteria: Invitae Variant Classification Sherloc (09022015). Collection method: clinical testing. Allele origin: germline.
Comment: This variant is not present in population databases (ExAC no frequency). This variant has not been reported in the literature in individuals with MSH6-related conditions. This sequence change results in a premature translational stop signal in the MSH6 gene (p.Glu1341Glyfs*2). While this is not anticipated to result in nonsense mediated decay, it is expected to disrupt the last 20 amino acids of the MSH6 protein. In summary, the available evidence is currently insufficient to determine the role of this variant in disease. Therefore, it has been classified as a Variant of Uncertain Significance. Experimental studies and prediction algorithms are not available or were not evaluated, and the functional significance of this variant is currently unknown.